The following is an entry in ClinVar:

ClinVar aggregate classification (germline): Uncertain significance. Review status: criteria provided, multiple submitters, no conflicts (2 of 4 stars). 3 submissions from 3 submitters: Uncertain significance (3). Last evaluated 2025-12-02.

Conditions:
Inborn genetic diseases. Identifiers: MedGen C0950123, MeSH D030342.
Achondrogenesis, type IA (ACG1A). Identifiers: Orphanet 932, Orphanet 93299, MedGen C0265273, MONDO:0008701, OMIM 200600.

Allele frequency attached by ClinVar (database versions not stated): gnomAD exomes below 0.00001 and 0.00002; ExAC 0.00001; gnomAD 0.00001; 1000 Genomes Project 30x 0.00016; 1000 Genomes Project 0.00020.
gnomAD v4.1: 8 of 1,613,762 alleles (0.0005%); highest among the groups gnomAD compares: Admixed American, 0.0083%; no homozygotes.

Submissions (3):

Ambry Genetics
Classification: Uncertain significance for Inborn genetic diseases. Last evaluated: 2025-12-02. Review status: criteria provided, single submitter. Criteria: Ambry Variant Classification Scheme 2023. Collection method: clinical testing. Allele origin: germline.

Labcorp Genetics (formerly Invitae), Labcorp
Classification: Uncertain significance for Achondrogenesis, type IA. Last evaluated: 2021-08-23. Review status: criteria provided, single submitter. Criteria: Invitae Variant Classification Sherloc (09022015). Collection method: clinical testing. Allele origin: germline.
Comment: In summary, the available evidence is currently insufficient to determine the role of this variant in disease. Therefore, it has been classified as a Variant of Uncertain Significance. Algorithms developed to predict the effect of missense changes on protein structure and function are either unavailable or do not agree on the potential impact of this missense change (SIFT: "Not Available"; PolyPhen-2: "Possibly Damaging"; Align-GVGD: "Not Available"). This variant has not been reported in the literature in individuals with TRIP11-related conditions. This variant is present in population databases (rs541713444, ExAC 0.009%). This sequence change replaces isoleucine with valine at codon 1171 of the TRIP11 protein (p.Ile1171Val). The isoleucine residue is moderately conserved and there is a small physicochemical difference between isoleucine and valine.

Blueprint Genetics
Classification: Uncertain significance. Last evaluated: 2020-01-03. Review status: criteria provided, single submitter. Criteria: ACMG Guidelines, 2015. Collection method: clinical testing. Allele origin: germline.

NM_004239.4(TRIP11):c.3511A>G (p.Ile1171Val)

Gene: TRIP11 (thyroid hormone receptor interactor 11; minus strand). Cytogenetic location: 14q32.12.
Variant type: single nucleotide variant.
Coding change: c.3511A>G on transcript NM_004239.4 (MANE Select); coding-DNA position 3511, A replaced by G.
Protein change: p.Ile1171Val; replaces isoleucine 1171 with valine.
Molecular consequence: missense variant.
Genome position (GRCh38, 1-based): chr14:92,004,465, T>C on the plus strand (A>G on the coding strand, the complement: TRIP11 is on the minus strand). VCF-style: chr14-92004465-T-C. GRCh37 (hg19) VCF-style: chr14-92470809-T-C.
Other names: c.3511A>G (NM_004239.3); c.3508A>G, p.Ile1170Val (NM_001321851.1); short protein forms I1171V, I1170V.
Identifiers: ClinVar variation 1423860 (VCV001423860.9), dbSNP rs541713444, ClinGen allele CA7313617.